The following is an entry in ClinVar:

NM_003859.3(DPM1):c.*19T>A

Genes: ADNP-AS1 (ADNP antisense RNA 1; plus strand), DPM1 (dolichyl-phosphate mannosyltransferase subunit 1, catalytic; minus strand). Cytogenetic location: 20q13.13.
Variant type: single nucleotide variant.
Coding change: c.*19T>A on transcript NM_003859.3 (MANE Select); 19 bases downstream of the stop codon, T replaced by A.
Molecular consequence: 3 prime UTR variant. On other transcripts: non-coding transcript variant (1).
Genome position (GRCh38, 1-based): chr20:50,935,113, A>T on the plus strand (T>A on the coding strand, the complement: DPM1 is on the minus strand). VCF-style: chr20-50935113-A-T. GRCh37 (hg19) VCF-style: chr20-49551650-A-T.
Other names: c.*19T>A (NM_001317034.1, NM_001317035.1, NM_001317036.1).
Identifiers: ClinVar variation 385237 (VCV000385237.1), dbSNP rs749987764, ClinGen allele CA9908984.

ClinVar aggregate classification (germline): Likely benign (1 of 4 stars; one submission).

Allele frequency attached by ClinVar (database versions not stated): TOPMed 0.00002; ExAC 0.00009; gnomAD exomes 0.00009.
gnomAD v4.1: 26 of 1,364,484 alleles (0.0019%); highest among the groups gnomAD compares: Admixed American, 0.044%; no homozygotes.

Submission:

GeneDx
Classification: Likely benign. Last evaluated: 2016-04-27. Review status: criteria provided, single submitter. Criteria: GeneDx Variant Classification (06012015). Collection method: clinical testing. Allele origin: germline. Affected: yes.
Comment: This variant is considered likely benign or benign based on one or more of the following criteria: it is a conservative change, it occurs at a poorly conserved position in the protein, it is predicted to be benign by multiple in silico algorithms, and/or has population frequency not consistent with disease.